The following is an entry in ClinVar:

ClinVar aggregate classification (germline): Uncertain significance. Review status: criteria provided, multiple submitters, no conflicts (2 of 4 stars). 2 submissions from 2 submitters: Uncertain significance (2). Last evaluated 2024-11-03.

Allele frequency attached by ClinVar (database versions not stated): gnomAD exomes below 0.00001; ExAC 0.00001; gnomAD 0.00001; TOPMed 0.00002.
gnomAD v4.1: 1 of 1,613,988 alleles (0.000062%); highest among the groups gnomAD compares: African/African-American, 0.0013%; no homozygotes.

Submissions (2):

Labcorp Genetics (formerly Invitae), Labcorp
Classification: Uncertain significance. Last evaluated: 2024-11-03. Review status: criteria provided, single submitter. Criteria: Invitae Variant Classification Sherloc (09022015). Collection method: clinical testing. Allele origin: germline.
Comment: This sequence change replaces isoleucine, which is neutral and non-polar, with phenylalanine, which is neutral and non-polar, at codon 112 of the IMPG1 protein (p.Ile112Phe). This variant is present in population databases (rs755265773, gnomAD 0.007%). This missense change has been observed in individual(s) with retinitis pigmentosa (internal data). ClinVar contains an entry for this variant (Variation ID: 1406977). An algorithm developed to predict the effect of missense changes on protein structure and function (PolyPhen-2) suggests that this variant is likely to be disruptive. In summary, the available evidence is currently insufficient to determine the role of this variant in disease. Therefore, it has been classified as a Variant of Uncertain Significance.

Blueprint Genetics
Classification: Uncertain significance. Last evaluated: 2022-03-03. Review status: criteria provided, single submitter. Criteria: ACMG Guidelines, 2015. Collection method: clinical testing. Allele origin: germline.

NM_001563.4(IMPG1):c.334A>T (p.Ile112Phe)

Gene: IMPG1 (interphotoreceptor matrix proteoglycan 1; minus strand). Cytogenetic location: 6q14.1.
Variant type: single nucleotide variant.
Coding change: c.334A>T on transcript NM_001563.4 (MANE Select); coding-DNA position 334, A replaced by T.
Protein change: p.Ile112Phe; replaces isoleucine 112 with phenylalanine.
Molecular consequence: missense variant.
Genome position (GRCh38, 1-based): chr6:76,034,755, T>A on the plus strand (A>T on the coding strand, the complement: IMPG1 is on the minus strand). VCF-style: chr6-76034755-T-A. GRCh37 (hg19) VCF-style: chr6-76744472-T-A.
Other names: c.100A>T, p.Ile34Phe (NM_001282368.2); short protein forms I112F, I34F.
Identifiers: ClinVar variation 1406977 (VCV001406977.9), dbSNP rs755265773, ClinGen allele CA3898567.